The following is an entry in ClinVar:

NM_025114.4(CEP290):c.3786_3798del (p.His1262fs)

Gene: CEP290 (centrosomal protein 290; minus strand). Cytogenetic location: 12q21.32.
Variant type: Deletion.
Coding change: c.3786_3798del on transcript NM_025114.4 (MANE Select); coding-DNA positions 3786 to 3798, 13 bases deleted (TCTGCGCCAAACA).
Protein change: p.His1262fs; shifts the reading frame from histidine 1262.
Molecular consequence: frameshift variant.
Genome position (GRCh38, 1-based): chr12:88,089,263-88,089,275, TGTTTGGCGCAGA deleted on the plus strand (TCTGCGCCAAACA on the coding strand, the reverse complement: CEP290 is on the minus strand); deleting any 13 consecutive bases within chr12:88,089,263-88,089,280 gives the same sequence; the c. name uses the placement nearest the transcript's 3' end. VCF-style (leftmost placement, unchanged base first): chr12-88089262-TTGTTTGGCGCAGA-T. GRCh37 (hg19) VCF-style: chr12-88483039-TTGTTTGGCGCAGA-T.
Other names: short protein forms H1262fs.
Identifiers: ClinVar variation 2942087 (VCV002942087.3), dbSNP rs2500108418, ClinGen allele CA2740092484.
Genomic context (GRCh38, chr12:88,089,262, plus strand): 5'-AGAACTTTTCCTGTTGTGCCAAGGGTAAAGCTCCACTAAACTGTCGTCGTAGAGACTGAA[TTGTTTGGCGCAGA>T]TGTTTTGCTCTGTTTCTTCCCTCCAAACGAGCATAATAGAGAGCCTGTTCTTTTTCATCA-3'

ClinVar aggregate classification (germline): Pathogenic (1 of 4 stars; one submission).

Conditions:
Joubert syndrome. Also called: CEREBELLOPARENCHYMAL DISORDER IV; JOUBERT-BOLTSHAUSER SYNDROME; Familial aplasia of the vermis. Identifiers: Orphanet 475, MedGen C5979921, MONDO:0018772.
Nephronophthisis. Also called: Juvenile Nephronophthisis. Identifiers: Orphanet 655, MedGen C0687120, MONDO:0019005, HP:0000090.
Meckel-Gruber syndrome. Also called: DYSENCEPHALIA SPLANCHNOCYSTICA; GRUBER SYNDROME; Dysencephalia splachnocystica. Identifiers: Orphanet 564, MedGen C0265215, MONDO:0018921.

Submission:

Labcorp Genetics (formerly Invitae), Labcorp
Classification: Pathogenic for Joubert syndrome; Meckel-Gruber syndrome; Nephronophthisis. Last evaluated: 2022-12-06. Review status: criteria provided, single submitter. Criteria: Invitae Variant Classification Sherloc (09022015). Collection method: clinical testing. Allele origin: germline.
Comment: For these reasons, this variant has been classified as Pathogenic. Algorithms developed to predict the effect of sequence changes on RNA splicing suggest that this variant may create or strengthen a splice site. This variant has not been reported in the literature in individuals affected with CEP290-related conditions. This variant is not present in population databases (gnomAD no frequency). This sequence change creates a premature translational stop signal (p.His1262Glnfs*25) in the CEP290 gene. It is expected to result in an absent or disrupted protein product. Loss-of-function variants in CEP290 are known to be pathogenic (PMID: 16909394, 17345604, 20690115).

Literature cited by the submitters: PubMed 16909394; PubMed 17345604; PubMed 20690115.